The following is an entry in ClinVar:

ClinVar aggregate classification (germline): Uncertain significance. Review status: criteria provided, multiple submitters, no conflicts (2 of 4 stars). 2 submissions from 2 submitters: Uncertain significance (2). Last evaluated 2026-02-13.

Conditions:
Tuberous sclerosis 2 (TSC2). Identifiers: Orphanet 805, MedGen C1860707, MONDO:0013199, OMIM 613254.
Hereditary cancer-predisposing syndrome. Also called: Neoplastic Syndromes, Hereditary; Tumor predisposition; Hereditary neoplastic syndrome; Hereditary Cancer Syndrome. Identifiers: Orphanet 140162, MedGen C0027672, MeSH D009386, MONDO:0015356.

Allele frequency attached by ClinVar (database versions not stated): gnomAD exomes below 0.00001.

Submissions (2):

Ambry Genetics
Classification: Uncertain significance for Hereditary cancer-predisposing syndrome. Last evaluated: 2026-02-13. Review status: criteria provided, single submitter. Criteria: Ambry Variant Classification Scheme 2023. Collection method: clinical testing. Allele origin: germline.
Comment: The p.V199A variant (also known as c.596T>C), located in coding exon 5 of the TSC2 gene, results from a T to C substitution at nucleotide position 596. The valine at codon 199 is replaced by alanine, an amino acid with similar properties. This amino acid position is highly conserved in available vertebrate species. In addition, this alteration is predicted to be deleterious by in silico analysis. Based on the available evidence, the clinical significance of this variant remains unclear.

Labcorp Genetics (formerly Invitae), Labcorp
Classification: Uncertain significance for Tuberous sclerosis 2. Last evaluated: 2023-08-28. Review status: criteria provided, single submitter. Criteria: Invitae Variant Classification Sherloc (09022015). Collection method: clinical testing. Allele origin: germline.
Comment: This sequence change replaces valine, which is neutral and non-polar, with alanine, which is neutral and non-polar, at codon 199 of the TSC2 protein (p.Val199Ala). This variant is not present in population databases (gnomAD no frequency). This variant has not been reported in the literature in individuals affected with TSC2-related conditions. ClinVar contains an entry for this variant (Variation ID: 468169). Advanced modeling of protein sequence and biophysical properties (such as structural, functional, and spatial information, amino acid conservation, physicochemical variation, residue mobility, and thermodynamic stability) performed at Invitae indicates that this missense variant is not expected to disrupt TSC2 protein function. In summary, the available evidence is currently insufficient to determine the role of this variant in disease. Therefore, it has been classified as a Variant of Uncertain Significance.

NM_000548.5(TSC2):c.596T>C (p.Val199Ala)

Gene: TSC2 (TSC complex subunit 2; plus strand). Cytogenetic location: 16p13.3.
Variant type: single nucleotide variant.
Coding change: c.596T>C on transcript NM_000548.5 (MANE Select); coding-DNA position 596, T replaced by C.
Protein change: p.Val199Ala; replaces valine 199 with alanine.
Molecular consequence: missense variant. On other transcripts: intron variant (1).
Genome position (GRCh38, 1-based): chr16:2,055,516, T>C. VCF-style: chr16-2055516-T-C. GRCh37 (hg19) VCF-style: chr16-2105517-T-C.
Other names: c.596T>C, p.Val199Ala (NM_001077183.3, NM_001114382.3, NM_001363528.2 and 3 more transcripts); c.485T>C, p.Val162Ala (NM_001318827.2); c.449T>C, p.Val150Ala (NM_001318829.2); c.629T>C, p.Val210Ala (NM_001318832.2); c.-1-680T>C (NM_001318831.2); short protein forms V199A, V162A, V210A, V150A.
Identifiers: ClinVar variation 468169 (VCV000468169.9), dbSNP rs1555498243, ClinGen allele CA394309899.